The following is an entry in ClinVar:

NM_001039141.3(TRIOBP):c.6196G>A (p.Glu2066Lys)

Gene: TRIOBP (TRIO and F-actin binding protein; plus strand). Cytogenetic location: 22q13.1.
Variant type: single nucleotide variant.
Coding change: c.6196G>A on transcript NM_001039141.3 (MANE Select); coding-DNA position 6196, G replaced by A.
Protein change: p.Glu2066Lys; replaces glutamic acid 2066 with lysine.
Molecular consequence: missense variant.
Genome position (GRCh38, 1-based): chr22:37,758,121, G>A. VCF-style: chr22-37758121-G-A. GRCh37 (hg19) VCF-style: chr22-38154128-G-A.
Other names: c.1057G>A, p.Glu353Lys (NM_007032.5, NM_138632.2); short protein forms E2066K, E353K.
Identifiers: ClinVar variation 229365 (VCV000229365.12), dbSNP rs564506970, ClinGen allele CA10224897.

ClinVar aggregate classification (germline): Uncertain significance. Review status: criteria provided, multiple submitters, no conflicts (2 of 4 stars). 6 submissions from 6 submitters: Uncertain significance (6). Last evaluated 2026-04-20.

Conditions:
TRIOBP-related disorder. Also called: TRIOBP-related condition.
Inborn genetic diseases. Identifiers: MedGen C0950123, MeSH D030342.
Hearing loss, autosomal recessive. Also called: Rare autosomal recessive non-syndromic sensorineural deafness type DFNB; Autosomal recessive nonsyndromic deafness; Nonsyndromic Hearing Loss, Recessive; Deafness, autosomal recessive. Identifiers: Orphanet 90635, Orphanet 90636, MedGen C1846647, MONDO:0019588, OMIM 607197.

Allele frequency attached by ClinVar (database versions not stated): gnomAD 0.00004 and 0.00005; gnomAD exomes 0.00004 and 0.00009; TOPMed 0.00009; ExAC 0.00013; 1000 Genomes Project 0.00040; 1000 Genomes Project 30x 0.00047.
gnomAD v4.1: 76 of 1,611,030 alleles (0.0047%); highest among the groups gnomAD compares: East Asian, 0.087%; no homozygotes.

Submissions (6):

PreventionGenetics, part of Exact Sciences
Classification: Uncertain significance for TRIOBP-related condition. Last evaluated: 2026-04-20. Review status: criteria provided, single submitter. Criteria: ACMG Guidelines, 2015. Collection method: clinical testing. Allele origin: germline.
Comment: The TRIOBP c.6196G>A variant is predicted to result in the amino acid substitution p.Glu2066Lys. To our knowledge, this variant has not been reported in the literature. This variant is reported in 0.10% of alleles in individuals of East Asian descent in gnomAD. Although we suspect that this variant may be benign, at this time, the clinical significance of this variant is uncertain due to the absence of conclusive functional and genetic evidence.

Ambry Genetics
Classification: Uncertain significance for Inborn genetic diseases. Last evaluated: 2025-02-13. Review status: criteria provided, single submitter. Criteria: Ambry Variant Classification Scheme 2023. Collection method: clinical testing. Allele origin: germline.

Blueprint Genetics
Classification: Uncertain significance. Last evaluated: 2023-10-18. Review status: criteria provided, single submitter. Criteria: ACMG Guidelines, 2015. Collection method: clinical testing. Allele origin: germline.

GeneDx
Classification: Uncertain significance. Last evaluated: 2023-08-10. Review status: criteria provided, single submitter. Criteria: GeneDx Variant Classification Process June 2021. Collection method: clinical testing. Allele origin: germline. Affected: yes.
Comment: In silico analysis supports that this missense variant has a deleterious effect on protein structure/function; Has not been previously published as pathogenic or benign to our knowledge

Department of Pathology and Laboratory Medicine, Sinai Health System
Classification: Uncertain significance for hearing loss, autosomal recessive. Last evaluated: 2021-03-25. Review status: criteria provided, single submitter. Criteria: ACMG Guidelines, 2015. Collection method: research. Allele origin: germline.

Laboratory for Molecular Medicine, Mass General Brigham Personalized Medicine
Classification: Uncertain significance. Last evaluated: 2017-06-26. Review status: criteria provided, single submitter. Criteria: LMM Criteria. Collection method: clinical testing. Allele origin: germline. Observed: 2 variant alleles.
Comment: This variant has been identified in 0.11% (20/18770) of East Asian chromosomes b y the Genome Aggregation Database (gnomAD; db SNP rs564506970). Although this variant has been seen in the general population, its frequency is not high enough to rule out a pathogenic role. Computational p rediction tools and conservation analysis do not provide strong support for or a gainst an impact to the protein. In summary, the clinical significance of the p. Glu2066Lys variant is uncertain.